The following is an entry in ClinVar:

NM_001286611.2(REPS1):c.2006G>A (p.Arg669Gln)

Gene: REPS1 (RALBP1 associated Eps domain containing 1; minus strand). Cytogenetic location: 6q24.1.
Variant type: single nucleotide variant.
Coding change: c.2006G>A on transcript NM_001286611.2 (MANE Select); coding-DNA position 2006, G replaced by A.
Protein change: p.Arg669Gln; replaces arginine 669 with glutamine.
Molecular consequence: missense variant.
Genome position (GRCh38, 1-based): chr6:138,911,337, C>T on the plus strand (G>A on the coding strand, the complement: REPS1 is on the minus strand). VCF-style: chr6-138911337-C-T. GRCh37 (hg19) VCF-style: chr6-139232474-C-T.
Other names: NC_000006.11:g.139232474C>T; c.1925G>A, p.Arg642Gln (NM_001128617.3); c.1733G>A, p.Arg578Gln (NM_001286612.2); c.2003G>A, p.Arg668Gln (NM_031922.5); short protein forms R642Q, R668Q, R669Q, R578Q.
Identifiers: ClinVar variation 3313624 (VCV003313624.3).

ClinVar aggregate classification (germline): Uncertain significance. Review status: criteria provided, multiple submitters, no conflicts (2 of 4 stars). 2 submissions from 2 submitters: Uncertain significance (2). Last evaluated 2025-06-09.

gnomAD v4.1: 12 of 1,613,500 alleles (0.00074%); highest among the groups gnomAD compares: Admixed American, 0.005%; no homozygotes.

Submissions (3):

Labcorp Genetics (formerly Invitae), Labcorp
Classification: Uncertain significance. Last evaluated: 2025-06-09. Review status: criteria provided, single submitter. Criteria: Invitae Variant Classification Sherloc (09022015). Collection method: clinical testing. Allele origin: germline.
Comment: This sequence change replaces arginine, which is basic and polar, with glutamine, which is neutral and polar, at codon 669 of the REPS1 protein (p.Arg669Gln). This variant is present in population databases (rs765476170, gnomAD 0.009%). This variant has not been reported in the literature in individuals affected with REPS1-related conditions. ClinVar contains an entry for this variant (Variation ID: 3313624). Invitae Evidence Modeling of protein sequence and biophysical properties (such as structural, functional, and spatial information, amino acid conservation, physicochemical variation, residue mobility, and thermodynamic stability) indicates that this missense variant is not expected to disrupt REPS1 protein function with a negative predictive value of 80%. In summary, the available evidence is currently insufficient to determine the role of this variant in disease. Therefore, it has been classified as a Variant of Uncertain Significance.

Ambry Genetics
Classification: Uncertain significance. Last evaluated: 2024-04-15. Review status: criteria provided, single submitter. Criteria: Ambry Variant Classification Scheme 2023. Collection method: clinical testing. Allele origin: germline.

Dr. Peter K. Rogan Lab, Western University
No classification provided (evidence only). Condition: Uterine corpus endometrial carcinoma. Review status: no classification provided. Collection method: in vitro. Allele origin: not applicable. Functional consequence: retained intron. Not counted in ClinVar's aggregate classification.